The following is an entry in ClinVar:

NM_004713.6(NEMF):c.1587A>G (p.Lys529=)

Gene: NEMF (nuclear export mediator factor; minus strand). Cytogenetic location: 14q21.3.
Variant type: single nucleotide variant.
Coding change: c.1587A>G on transcript NM_004713.6 (MANE Select); coding-DNA position 1587, A replaced by G.
Protein change: p.Lys529=; no amino-acid change (lysine 529 retained).
Molecular consequence: synonymous variant.
Genome position (GRCh38, 1-based): chr14:49,814,848, T>C on the plus strand (A>G on the coding strand, the complement: NEMF is on the minus strand). VCF-style: chr14-49814848-T-C. GRCh37 (hg19) VCF-style: chr14-50281566-T-C.
Other names: c.1587A>G, p.Lys529= (NM_001301732.3).
Identifiers: ClinVar variation 4821613 (VCV004821613.4).

ClinVar aggregate classification (germline): Likely benign (1 of 4 stars; one submission).

gnomAD v4.1: 85 of 1,565,496 alleles (0.0054%); highest among the groups gnomAD compares: East Asian, 0.087%; no homozygotes.

Submission:

CeGaT Center for Human Genetics Tuebingen
Classification: Likely benign. Last evaluated: 2026-02-01. Review status: criteria provided, single submitter. Criteria: CeGaT Center For Human Genetics Tuebingen Variant Classification Criteria Version 2. Collection method: clinical testing. Allele origin: germline. Affected: yes. Observed: 1 variant allele.
Comment: NEMF: BP4, BP7